The following is an entry in ClinVar:

ClinVar aggregate classification (germline): Uncertain significance. Review status: criteria provided, multiple submitters, no conflicts (2 of 4 stars). 2 submissions from 2 submitters: Uncertain significance (2). Last evaluated 2025-09-09.

Allele frequency attached by ClinVar (database versions not stated): gnomAD exomes below 0.00001; TOPMed below 0.00001.
gnomAD v4.1: 5 of 1,613,924 alleles (0.00031%); highest among the groups gnomAD compares: South Asian, 0.0011%; no homozygotes.

Submissions (2):

Ambry Genetics
Classification: Uncertain significance. Last evaluated: 2025-09-09. Review status: criteria provided, single submitter. Criteria: Ambry Variant Classification Scheme 2023. Collection method: clinical testing. Allele origin: germline.

Labcorp Genetics (formerly Invitae), Labcorp
Classification: Uncertain significance. Last evaluated: 2022-07-06. Review status: criteria provided, single submitter. Criteria: Invitae Variant Classification Sherloc (09022015). Collection method: clinical testing. Allele origin: germline.
Comment: In summary, the available evidence is currently insufficient to determine the role of this variant in disease. Therefore, it has been classified as a Variant of Uncertain Significance. Algorithms developed to predict the effect of missense changes on protein structure and function are either unavailable or do not agree on the potential impact of this missense change (SIFT: "Deleterious"; PolyPhen-2: "Benign"; Align-GVGD: "Class C0"). This variant has not been reported in the literature in individuals affected with PSMG2-related conditions. This variant is not present in population databases (gnomAD no frequency). This sequence change replaces isoleucine, which is neutral and non-polar, with threonine, which is neutral and polar, at codon 169 of the PSMG2 protein (p.Ile169Thr).

NM_020232.5(PSMG2):c.506T>C (p.Ile169Thr)

Gene: PSMG2 (proteasome assembly chaperone 2; plus strand). Cytogenetic location: 18p11.21.
Variant type: single nucleotide variant.
Coding change: c.506T>C on transcript NM_020232.5 (MANE Select); coding-DNA position 506, T replaced by C.
Protein change: p.Ile169Thr; replaces isoleucine 169 with threonine.
Molecular consequence: missense variant.
Genome position (GRCh38, 1-based): chr18:12,720,608, T>C. VCF-style: chr18-12720608-T-C. GRCh37 (hg19) VCF-style: chr18-12720607-T-C.
Other names: c.506T>C (NM_020232.4); c.413T>C, p.Ile138Thr (NM_147163.2); short protein forms I138T, I169T.
Identifiers: ClinVar variation 1931625 (VCV001931625.6), dbSNP rs2040421765, ClinGen allele CA401968606.